The following is an entry in ClinVar:

NM_000051.4(ATM):c.1607+2T>C

Gene: ATM (ATM serine/threonine kinase; plus strand). Cytogenetic location: 11q22.3.
Variant type: single nucleotide variant.
Coding change: c.1607+2T>C on transcript NM_000051.4 (MANE Select); the canonical splice donor site of the intron after coding-DNA position 1607, T replaced by C.
Molecular consequence: splice donor variant.
Genome position (GRCh38, 1-based): chr11:108,251,074, T>C. VCF-style: chr11-108251074-T-C. GRCh37 (hg19) VCF-style: chr11-108121801-T-C.
Other names: c.1607+2T>C (NM_001351834.2).
Identifiers: ClinVar variation 3660429 (VCV003660429.2).

ClinVar aggregate classification (germline): Pathogenic (1 of 4 stars; one submission).

Conditions:
Ataxia-telangiectasia syndrome (AT). Also called: LOUIS-BAR SYNDROME; Cerebello-oculocutaneous telangiectasia; Immunodeficiency with ataxia telangiectasia; ATAXIA-TELANGIECTASIA, COMPLEMENTATION GROUP A; ATAXIA-TELANGIECTASIA, FRESNO VARIANT; Ataxia-telangiectasia, complementation group D. Identifiers: Orphanet 100, MedGen C0004135, MONDO:0008840, OMIM 208900.

Submission:

Labcorp Genetics (formerly Invitae), Labcorp
Classification: Pathogenic for Ataxia-telangiectasia syndrome. Last evaluated: 2024-07-24. Review status: criteria provided, single submitter. Criteria: Invitae Variant Classification Sherloc (09022015). Collection method: clinical testing. Allele origin: germline.
Comment: This sequence change affects a donor splice site in intron 10 of the ATM gene. It is expected to disrupt RNA splicing. Variants that disrupt the donor or acceptor splice site typically lead to a loss of protein function (PMID: 16199547), and loss-of-function variants in ATM are known to be pathogenic (PMID: 23807571, 25614872). This variant is not present in population databases (gnomAD no frequency). Disruption of this splice site has been observed in individual(s) with 19691550, 17124347 (PMID: 19691550). In at least one individual the data is consistent with being in trans (on the opposite chromosome) from a pathogenic variant. Studies have shown that disruption of this splice site is associated with altered splicing resulting in multiple RNA products (PMID: 9443866, 9450906; Invitae). For these reasons, this variant has been classified as Pathogenic.

Literature cited by the submitters: PubMed 16199547; PubMed 23807571; PubMed 25614872; PubMed 19691550; PubMed 9443866; PubMed 9450906.